The following is an entry in ClinVar:

ClinVar aggregate classification (germline): Uncertain significance (1 of 4 stars; one submission).

Conditions:
Fanconi anemia (FA). Also called: Fanconi's anemia. Identifiers: Orphanet 84, MedGen C0015625, MeSH D005199, MONDO:0019391.

gnomAD v4.1: 8 of 1,614,136 alleles (0.0005%); highest among the groups gnomAD compares: Non-Finnish European, 0.00068%; no homozygotes.

Submission:

Labcorp Genetics (formerly Invitae), Labcorp
Classification: Uncertain significance for Fanconi anemia. Last evaluated: 2022-08-30. Review status: criteria provided, single submitter. Criteria: Invitae Variant Classification Sherloc (09022015). Collection method: clinical testing. Allele origin: germline.
Comment: This sequence change replaces threonine, which is neutral and polar, with alanine, which is neutral and non-polar, at codon 1124 of the FANCI protein (p.Thr1124Ala). This variant is not present in population databases (gnomAD no frequency). This variant has not been reported in the literature in individuals affected with FANCI-related conditions. ClinVar contains an entry for this variant (Variation ID: 1403142). Algorithms developed to predict the effect of missense changes on protein structure and function output the following: SIFT: "Tolerated"; PolyPhen-2: "Benign"; Align-GVGD: "Class C0". The alanine amino acid residue is found in multiple mammalian species, which suggests that this missense change does not adversely affect protein function. In summary, the available evidence is currently insufficient to determine the role of this variant in disease. Therefore, it has been classified as a Variant of Uncertain Significance.

NM_001113378.2(FANCI):c.3370A>G (p.Thr1124Ala)

Gene: FANCI (FA complementation group I; plus strand). Cytogenetic location: 15q26.1.
Variant type: single nucleotide variant.
Coding change: c.3370A>G on transcript NM_001113378.2 (MANE Select); coding-DNA position 3370, A replaced by G.
Protein change: p.Thr1124Ala; replaces threonine 1124 with alanine.
Molecular consequence: missense variant.
Genome position (GRCh38, 1-based): chr15:89,306,027, A>G. VCF-style: chr15-89306027-A-G. GRCh37 (hg19) VCF-style: chr15-89849258-A-G.
Other names: c.3091A>G, p.Thr1031Ala (NM_001376910.1); c.3370A>G, p.Thr1124Ala (NM_001376911.1); c.3190A>G, p.Thr1064Ala (NM_018193.3); short protein forms T1031A, T1064A, T1124A.
Identifiers: ClinVar variation 1403142 (VCV001403142.8), dbSNP rs2151923443, ClinGen allele CA393740334.
Genomic context (GRCh38, chr15:89,306,027, plus strand): 5'-CGAAGTTGGGTTTGAATGTGCCAATTTTATTTCCCTTTAGAAGAGGCCTCTTCTCAGGCA[A>G]CCCTACCAAATCAGCCTGTTGAGAAAGCTATCATCATGCAACTGGGAACTCTGCTTACAT-3'
Protein context (NP_001106849.1, residues 1114-1134): TLSEEASSQA[Thr1124Ala]LPNQPVEKAI